The following is an entry in ClinVar:

NM_001042545.2(LTBP4):c.679C>A (p.Arg227Ser)

Genes: LTBP4 (latent transforming growth factor beta binding protein 4; plus strand), LOC130064475 (ATAC-STARR-seq lymphoblastoid silent region 10639; plus strand). Cytogenetic location: 19q13.2.
Variant type: single nucleotide variant.
Coding change: c.679C>A on transcript NM_001042545.2 (MANE Select); coding-DNA position 679, C replaced by A.
Protein change: p.Arg227Ser; replaces arginine 227 with serine.
Molecular consequence: missense variant.
Genome position (GRCh38, 1-based): chr19:40,605,641, C>A. VCF-style: chr19-40605641-C-A. GRCh37 (hg19) VCF-style: chr19-41111547-C-A.
Other names: c.880C>A, p.Arg294Ser (NM_001042544.1); c.769C>A, p.Arg257Ser (NM_003573.2); short protein forms R227S, R257S, R294S.
Identifiers: ClinVar variation 3390610 (VCV003390610.1).

ClinVar aggregate classification (germline): Uncertain significance (1 of 4 stars; one submission).

Submission:

GeneDx
Classification: Uncertain significance. Last evaluated: 2024-06-10. Review status: criteria provided, single submitter. Criteria: GeneDx Variant Classification Process June 2021. Collection method: clinical testing. Allele origin: germline. Affected: yes.
Comment: Not observed at significant frequency in large population cohorts (gnomAD); In silico analysis indicates that this missense variant does not alter protein structure/function; Has not been previously published as pathogenic or benign to our knowledge